The following is an entry in ClinVar:

ClinVar aggregate classification (germline): Uncertain significance (1 of 4 stars; one submission).

Conditions:
Intellectual disability, X-linked, with or without seizures, ARX-related. Also called: Mental retardation, X-linked 52; INTELLECTUAL DEVELOPMENTAL DISORDER, X-LINKED 29; MENTAL RETARDATION, X-LINKED 29; MENTAL RETARDATION, X-LINKED 32; MENTAL RETARDATION, X-LINKED 33; MENTAL RETARDATION, X-LINKED 38. Identifiers: Orphanet 777, MedGen C0796244, MONDO:0010317, OMIM 300419.
Developmental and epileptic encephalopathy, 1 (DEE1). Also called: X-linked infantile spasms; West's syndrome; Tonic spasms with clustering, arrest of psychomotor development and hypsarrhythmia on EEG; X-Linked Infantile Spasm Syndrome; OHTAHARA SYNDROME, X-LINKED; Epileptic encephalopathy, early infantile, 1. Identifiers: MedGen C3463992, MONDO:0010632, OMIM 308350. Disease mechanism: loss of function.

Submission:

Labcorp Genetics (formerly Invitae), Labcorp
Classification: Uncertain significance for Developmental and epileptic encephalopathy, 1; Intellectual disability, X-linked, with or without seizures, ARX-related. Last evaluated: 2021-08-22. Review status: criteria provided, single submitter. Criteria: Invitae Variant Classification Sherloc (09022015). Collection method: clinical testing. Allele origin: germline.
Comment: This variant, c.1268_1270del, results in the deletion of 1 amino acid(s) of the ARX protein (p.His423del), but otherwise preserves the integrity of the reading frame. The frequency data for this variant in the population databases is considered unreliable, as metrics indicate insufficient coverage at this position in the ExAC database. This variant has not been reported in the literature in individuals affected with ARX-related conditions. Experimental studies and prediction algorithms are not available or were not evaluated, and the functional significance of this variant is currently unknown. In summary, the available evidence is currently insufficient to determine the role of this variant in disease. Therefore, it has been classified as a Variant of Uncertain Significance.

NM_139058.3(ARX):c.1265ACC[1] (p.His423del)

Gene: ARX (aristaless related homeobox; minus strand). Cytogenetic location: Xp21.3.
Variant type: Microsatellite.
Coding change: c.1265ACC[1] on transcript NM_139058.3 (MANE Select); one copy of the 3-base unit ACC starting at c.1265; the reference has two copies in a row; one copy, 3 bases deleted.
Protein change: p.His423del; deletes histidine 423.
Molecular consequence: inframe deletion.
Genome position (GRCh38, 1-based): chrX:25,007,289-25,007,291, GGT deleted on the plus strand (ACC on the coding strand, the reverse complement: ARX is on the minus strand); deleting any 3 consecutive bases within chrX:25,007,289-25,007,295 gives the same sequence; the position shown is the placement nearest the transcript's 3' end. VCF-style (leftmost placement, unchanged base first): chrX-25007288-GGGT-G. GRCh37 (hg19) VCF-style: chrX-25025405-GGGT-G.
Other names: short protein forms H423del.
Identifiers: ClinVar variation 1390451 (VCV001390451.3), dbSNP rs2147320498, ClinGen allele CA2580616912.